The following is an entry in ClinVar:

ClinVar aggregate classification (germline): Likely benign. Review status: criteria provided, multiple submitters, no conflicts (2 of 4 stars). 5 submissions from 5 submitters: Likely benign (5). Last evaluated 2024-11-20.

Conditions:
Inborn genetic diseases. Identifiers: MedGen C0950123, MeSH D030342.
Pitt-Hopkins-like syndrome 2 (PTHSL2). Identifiers: Orphanet 221150, Orphanet 600663, MedGen C3280479, MONDO:0013690, OMIM 614325.
Chromosome 2p16.3 deletion syndrome. Identifiers: MedGen C3808494, MONDO:0013696, OMIM 614332.

Submissions (5):

Blueprint Genetics
Classification: Likely benign. Last evaluated: 2024-11-20. Review status: criteria provided, single submitter. Criteria: ACMG Guidelines, 2015. Collection method: clinical testing. Allele origin: germline.

Fulgent Genetics
Classification: Likely benign for Pitt-Hopkins-like syndrome 2; Chromosome 2p16.3 deletion syndrome. Last evaluated: 2024-05-16. Review status: criteria provided, single submitter. Criteria: ACMG Guidelines, 2015. Collection method: clinical testing. Allele origin: germline.

CeGaT Center for Human Genetics Tuebingen
Classification: Likely benign. Last evaluated: 2023-07-01. Review status: criteria provided, single submitter. Criteria: CeGaT Center For Human Genetics Tuebingen Variant Classification Criteria Version 2. Collection method: clinical testing. Allele origin: germline. Affected: yes. Observed: 5 variant alleles.
Comment: NRXN1: BP3

Ambry Genetics
Classification: Likely benign for Inborn genetic diseases. Last evaluated: 2018-06-12. Review status: criteria provided, single submitter. Criteria: Ambry Variant Classification Scheme 2023. Collection method: clinical testing. Allele origin: germline.

GeneDx
Classification: Likely benign. Last evaluated: 2018-01-17. Review status: criteria provided, single submitter. Criteria: GeneDx Variant Classification (06012015). Collection method: clinical testing. Allele origin: germline. Affected: yes.
Comment: This variant is considered likely benign or benign based on one or more of the following criteria: it is a conservative change, it occurs at a poorly conserved position in the protein, it is predicted to be benign by multiple in silico algorithms, and/or has population frequency not consistent with disease.

Literature cited by the submitters: PubMed 17034946 (cited by Ambry Genetics); PubMed 22405623 (cited by Ambry Genetics); PubMed 24832020 (cited by Ambry Genetics).

NM_138735.4(NRXN1):c.49GCC[12] (p.Gly17[12])

Gene: NRXN1 (neurexin 1; minus strand). Cytogenetic location: 2p16.3.
Variant type: Microsatellite.
Coding change: c.49GCC[12] on transcript NM_138735.4; 12 copies in a row of the 3-base unit GCC starting at c.49.
Protein change: p.Gly17[12].
Molecular consequence: intron variant (on NM_001330078.2). On other transcripts: inframe insertion (4).
Genome position: GRCh38 VCF-style: chr2-50346870-G-GCGCCGC. GRCh37 (hg19) VCF-style: chr2-50574008-G-GCGCCGC.
Other names: c.74_79dup (NM_138735.4); c.50GCG[12], p.Gly25_Gly26dup (NM_001330091.2, NM_001330092.2, NM_001330097.2 and 1 more transcripts); c.3254-109930GCG[12] (NM_001330096.2, NM_001330087.2); c.3299-109930GCG[12] (NM_001330083.2, NM_001330084.2); c.3284-109930GCG[12] (NM_001330088.2); c.3362-109930GCG[12] (NM_001330093.2); c.3353-109930GCG[12] (NM_001330094.2); c.3314-109930GCG[12] (NM_001330095.2); and 4 more.
Identifiers: ClinVar variation 516945 (VCV000516945.40), dbSNP rs750165040, ClinGen allele CA1654566.
Genomic context (GRCh38, chr2:50,346,870, plus strand): 5'-ACTCCTAGGAGGCCGCTGAGGGTGAGCGGGACTATCCAAAGCAGGGCCAGGCGCCCCCCT[G>GCGCCGC]CGCCGCCGCCGCCGCCGCCGCCGCCGCCGCCCCCGGGCGAGCCCAGCTCGGCGCCGCACC-3'